The following is an entry in ClinVar:

NM_000277.3(PAH):c.754C>T (p.Arg252Trp)

Gene: PAH (phenylalanine hydroxylase; minus strand). Cytogenetic location: 12q23.2.
Variant type: single nucleotide variant.
Coding change: c.754C>T on transcript NM_000277.3 (MANE Select); coding-DNA position 754, C replaced by T.
Protein change: p.Arg252Trp; replaces arginine 252 with tryptophan.
Molecular consequence: missense variant.
Genome position (GRCh38, 1-based): chr12:102,852,903, G>A on the plus strand (C>T on the coding strand, the complement: PAH is on the minus strand). VCF-style: chr12-102852903-G-A. GRCh37 (hg19) VCF-style: chr12-103246681-G-A.
Other names: p.R252W:CGG>TGG; NM_000277.1(PAH):c.754C>T; c.754C>T (NM_000277.2); c.754C>T, p.Arg252Trp (NM_001354304.2); short protein forms R252W.
Identifiers: ClinVar variation 584 (VCV000000584.122), dbSNP rs5030847, ClinGen allele CA251529.
Genomic context (GRCh38, chr12:102,852,903, plus strand): 5'-CATGTCTGATGTACTGTGTGCAGTGGAAGACTCGGAAGGCCAGGCCACCCAAGAAATCCC[G>A]AGAGGAAAGCAGGCCAGCCACAGGTCGGAGGCGGAAACCAGTGCAAGCTGGGATGAAAAG-3'
Protein context (NP_000268.1, residues 242-262): LRPVAGLLSS[Arg252Trp]DFLGGLAFRV

ClinVar aggregate classification (germline): Pathogenic. Review status: reviewed by expert panel (3 of 4 stars). 20 submissions from 20 submitters: Pathogenic (1). 19 of the submissions do not count toward it. Last evaluated 2018-08-13.

Conditions:
PAH-related disorder. Also called: PAH-related condition.
Pulmonary hypertension, primary, 1 (PPH1). Also called: Pulmonary hypertension, familial primary, 1, with or without HHT. Identifiers: Orphanet 422, MedGen C4552070, MONDO:0024533, OMIM 178600.
Phenylketonuria (PKU). Also called: FOLLING DISEASE; Phenylketonurias; Phenylketonuria (PKU); OLIGOPHRENIA PHENYLPYRUVICA. Identifiers: Orphanet 716, MedGen C0031485, MONDO:0009861, OMIM 261600. Disease mechanism: loss of function.

Allele frequency attached by ClinVar (database versions not stated): ExAC 0.00005; TOPMed 0.00010.
gnomAD v4.1: 69 of 1,613,988 alleles (0.0043%); highest among the groups gnomAD compares: East Asian, 0.013%; no homozygotes.

Submissions 1 to 12 of 20:

ClinGen PAH Variant Curation Expert Panel
Classification: Pathogenic for Phenylketonuria. Last evaluated: 2018-08-13. Review status: reviewed by expert panel. Criteria: ClinGen PAH ACMG Specifications v1. Collection method: curation. Allele origin: germline. Inheritance: Autosomal recessive inheritance.
Comment: PAH-specific ACMG/AMP criteria applied: PM2: gnomAD MAF: 0.00006; PP3: tools predict damaging ; PS3: 1% residual activity (PMID:25596310; PMID:17935162); PP4: Detection of codon 252arg>trp in a patient with PAH deficiency (PMID:2574153); PM3: Detected with IVS10-11G>A, R261Q, IVS12+1, R68S (all P/LP). (PMID:18299955; PMID:11524738). In summary this variant meets criteria to be classified as pathogenic for phenylketonuria in an autosomal recessive manner based on the ACMG/AMP criteria applied as specified by the PAH Expert Panel: (PM2, PP3, PS3, PP4, PM3).

CeGaT Center for Human Genetics Tuebingen
Classification: Pathogenic. Last evaluated: 2026-09-01. Review status: criteria provided, single submitter. Criteria: CeGaT Center For Human Genetics Tuebingen Variant Classification Criteria Version 2. Collection method: clinical testing. Allele origin: germline. Affected: yes. Observed: 5 variant alleles. Not counted in ClinVar's aggregate classification.
Comment: PAH: PM3:Very Strong, PS3, PM2, PP4:Moderate, PP3

Labcorp Genetics (formerly Invitae), Labcorp
Classification: Pathogenic for Phenylketonuria. Last evaluated: 2025-12-23. Review status: criteria provided, single submitter. Criteria: Invitae Variant Classification Sherloc (09022015). Collection method: clinical testing. Allele origin: germline. Not counted in ClinVar's aggregate classification.
Comment: This sequence change replaces arginine, which is basic and polar, with tryptophan, which is neutral and slightly polar, at codon 252 of the PAH protein (p.Arg252Trp). This variant is present in population databases (rs5030847, gnomAD 0.006%). This missense change has been observed in individuals with PAH-associated diseases (PMID: 2574153, 8116675, 17096675, 20082265, 25596310; internal data). It has also been observed to segregate with disease in related individuals. ClinVar contains an entry for this variant (Variation ID: 584). Invitae Evidence Modeling of protein sequence and biophysical properties (such as structural, functional, and spatial information, amino acid conservation, physicochemical variation, residue mobility, and thermodynamic stability) indicates that this missense variant is expected to disrupt PAH protein function with a positive predictive value of 80%. Experimental studies have shown that this missense change affects PAH function (PMID: 12655546, 25596310). For these reasons, this variant has been classified as Pathogenic.

Quest Diagnostics Nichols Institute San Juan Capistrano
Classification: Pathogenic. Last evaluated: 2025-03-28. Review status: criteria provided, single submitter. Criteria: Quest Diagnostics criteria. Collection method: clinical testing. Allele origin: unknown. Not counted in ClinVar's aggregate classification.
Comment: The PAH c.754C>T (p.Arg252Trp) variant has been reported in the published literature in individuals with hyperphenylalaninemia (HPA) or classic phenylketonuria (PKU) (PMID: 2574153 (1989), 18299955 (2008), 23500595 (2013), 33375644 (2020), 34828281 (2021), 35405047 (2022), 36845377 (2023)). Additionally, the variant has been shown to result in 1% residual activity (PMID: 25596310 (2015), 17935162 (2008)). The frequency of this variant in the general population (Genome Aggregation Database) is uninformative in the assessment of its pathogenicity. Analysis of this variant using bioinformatics tools for the prediction of the effect of amino acid changes on protein structure and function yielded predictions that this variant is damaging. Based on the available information, this variant is classified as pathogenic.

Blueprint Genetics
Classification: Pathogenic for PAH-related disorders. Last evaluated: 2024-11-21. Review status: criteria provided, single submitter. Criteria: ACMG Guidelines, 2015. Collection method: clinical testing. Allele origin: germline. Affected: yes. Observed: 5 variant alleles. Not counted in ClinVar's aggregate classification.

Natera, Inc.
Classification: Pathogenic for Phenylketonuria. Last evaluated: 2024-08-01. Review status: criteria provided, single submitter. Criteria: Natera Variant Classification Schema (03/2026). Collection method: clinical testing. Allele origin: germline. Not counted in ClinVar's aggregate classification.
Comment: The c.754C>T variant in PAH is a missense variant predicted to cause substitution of arginine to tryptophan at amino acid 252. This variant is rare in the general population with a frequency below the threshold expected for the associated phenotype(s). This variant has been observed in one or more individuals affected with the associated recessive disease, as either homozygous or compound heterozygous with a second variant (PMID: 30159852). A different variant at the same position has been determined to be Pathogenic or Likely Pathogenic. Computational prediction algorithms indicate this variant is likely to affect gene or protein function. Given the available evidence, this variant is classified as Pathogenic.

Genomic Medicine Center of Excellence, King Faisal Specialist Hospital and Research Centre
Classification: Pathogenic for Pulmonary hypertension, primary, 1. Last evaluated: 2024-03-14. Review status: criteria provided, single submitter. Criteria: ACMG Guidelines, 2015. Collection method: research. Allele origin: germline. Not counted in ClinVar's aggregate classification.

Cellular and Molecular Research Center, Cellular and Molecular Medicine Research Institute,, Urmia University of Medical Sciences
Classification: Pathogenic for Phenylketonuria. Last evaluated: 2023-09-19. Review status: criteria provided, single submitter. Criteria: Zastrow et al. (Hum Mutat. 2018). Collection method: clinical testing. Allele origin: inherited. Inheritance: Autosomal recessive inheritance. Affected: yes. Not counted in ClinVar's aggregate classification.

GeneDx
Classification: Pathogenic. Last evaluated: 2021-08-04. Review status: criteria provided, single submitter. Criteria: GeneDx Variant Classification Process June 2021. Collection method: clinical testing. Allele origin: germline. Affected: yes. Not counted in ClinVar's aggregate classification.
Comment: Classified as a severe variant and reported as homozygous and in the presence of a second PAH pathogenic variant in individuals with classic PKU (Ajami et al., 2003; Desviat et al., 2001; Aulehla-Scholz et al., 2003); Published functional studies demonstrates R252W results in no detectable PAH activity (Pey et al., 2003; Danecka et al., 2015); Not observed at a significant frequency in large population cohorts (Lek et al., 2016); Classified as not responsive to BH4 therapy (Zurfluh et al., 2008; Danecka et al., 2015); This variant is associated with the following publications: (PMID: 12655546, 12655553, 17935162, 27535533, 31589614, 1672294, 22513348, 31355225, 30963030, 30037505, 29499199, 9825986, 18294361, 20920871, 11524738, 24301756, 24350308, 23792259, 8304187, 18299955, 8533759, 11461196, 8831077, 10693064, 27264808, 23500595, 2574153, 25750018, 21953985, 25596310, 22975760, 25087612)

Fulgent Genetics
Classification: Pathogenic for Phenylketonuria. Last evaluated: 2021-07-15. Review status: criteria provided, single submitter. Criteria: ACMG Guidelines, 2015. Collection method: clinical testing. Allele origin: unknown. Not counted in ClinVar's aggregate classification.

Revvity Omics, Revvity
Classification: Pathogenic for Phenylketonuria. Last evaluated: 2021-06-21. Review status: criteria provided, single submitter. Criteria: ACMG Guidelines, 2015. Collection method: clinical testing. Allele origin: germline. Not counted in ClinVar's aggregate classification.

Laboratorio de Genetica e Diagnostico Molecular, Hospital Israelita Albert Einstein
Classification: Pathogenic. Last evaluated: 2019-10-04. Review status: criteria provided, single submitter. Criteria: ACMG Guidelines, 2015. Collection method: clinical testing. Allele origin: germline. Affected: yes. Not counted in ClinVar's aggregate classification.
Comment: ACMG classification criteria: PS3, PM2, PM3